The following is an entry in ClinVar:

ClinVar aggregate classification (germline): Uncertain significance (1 of 4 stars; one submission).

Submission:

Labcorp Genetics (formerly Invitae), Labcorp
Classification: Uncertain significance. Last evaluated: 2022-08-15. Review status: criteria provided, single submitter. Criteria: Invitae Variant Classification Sherloc (09022015). Collection method: clinical testing. Allele origin: germline.
Comment: In summary, the available evidence is currently insufficient to determine the role of this variant in disease. Therefore, it has been classified as a Variant of Uncertain Significance. This variant has not been reported in the literature in individuals affected with DHCR24-related conditions. A copy number gain of the genomic region encompassing the full coding sequence of the DHCR24 gene has been identified. The boundaries of this event are unknown as they extend beyond the assayed region for this gene and therefore may encompass additional genes. As the precise location of this event is unknown, it may be in tandem or it may be located elsewhere in the genome.

NC_000001.10:g.(?_55223407)_(55352792_?)dup

Genes: CIMAP2 (ciliary microtubule associated protein 2; plus strand), DHCR24 (24-dehydrocholesterol reductase; minus strand), PARS2 (prolyl-tRNA synthetase 2, mitochondrial; minus strand), TTC22 (tetratricopeptide repeat domain 22; minus strand). Cytogenetic location: 1p32.3.
Variant type: Duplication.
Identifiers: ClinVar variation 2425971 (VCV002425971.4).